The following is an entry in ClinVar:

NM_001002755.4(NFU1):c.430T>G (p.Phe144Val)

Gene: NFU1 (NFU1 iron-sulfur cluster scaffold; minus strand). Cytogenetic location: 2p13.3.
Variant type: single nucleotide variant.
Coding change: c.430T>G on transcript NM_001002755.4 (MANE Select); coding-DNA position 430, T replaced by G.
Protein change: p.Phe144Val; replaces phenylalanine 144 with valine.
Molecular consequence: missense variant. On other transcripts: non-coding transcript variant (2).
Genome position (GRCh38, 1-based): chr2:69,415,239, A>C on the plus strand (T>G on the coding strand, the complement: NFU1 is on the minus strand). VCF-style: chr2-69415239-A-C. GRCh37 (hg19) VCF-style: chr2-69642371-A-C.
Other names: c.7T>G, p.Phe3Val (NM_001002756.2); c.358T>G, p.Phe120Val (NM_001374284.1, NM_015700.4); short protein forms F3V, F144V, F120V.
Identifiers: ClinVar variation 1986898 (VCV001986898.4), dbSNP rs917257642, ClinGen allele CA49517742.
Genomic context (GRCh38, chr2:69,415,239, plus strand): 5'-TGTTACCTGCTTCTCCTGAAGGTGTTTCCTCAGTAACCAGGGGTAAGCCAGATGCAAAGA[A>C]GTCCATGATTGTTGCATAAATATCTGGTTTCAGTAAATTCCAGTCTAATTCTTCATTTTC-3'
Protein context (NP_001002755.1, residues 134-154): KPDIYATIMD[Phe144Val]FASGLPLVTE

ClinVar aggregate classification (germline): Uncertain significance (1 of 4 stars; one submission).

Conditions:
Multiple mitochondrial dysfunctions syndrome 1 (MMDS1). Identifiers: Orphanet 401869, MedGen C3276432, MONDO:0011582, OMIM 605711.

Allele frequency attached by ClinVar (database versions not stated): gnomAD exomes below 0.00001; gnomAD 0.00001.

Submission:

Labcorp Genetics (formerly Invitae), Labcorp
Classification: Uncertain significance for Multiple mitochondrial dysfunctions syndrome 1. Last evaluated: 2024-01-22. Review status: criteria provided, single submitter. Criteria: Invitae Variant Classification Sherloc (09022015). Collection method: clinical testing. Allele origin: germline.
Comment: This sequence change replaces phenylalanine, which is neutral and non-polar, with valine, which is neutral and non-polar, at codon 144 of the NFU1 protein (p.Phe144Val). This variant is not present in population databases (gnomAD no frequency). This variant has not been reported in the literature in individuals affected with NFU1-related conditions. ClinVar contains an entry for this variant (Variation ID: 1986898). Advanced modeling of protein sequence and biophysical properties (such as structural, functional, and spatial information, amino acid conservation, physicochemical variation, residue mobility, and thermodynamic stability) performed at Invitae indicates that this missense variant is expected to disrupt NFU1 protein function with a positive predictive value of 80%. In summary, the available evidence is currently insufficient to determine the role of this variant in disease. Therefore, it has been classified as a Variant of Uncertain Significance.